The following is an entry in ClinVar:

ClinVar aggregate classification (germline): Pathogenic/Likely pathogenic. Review status: criteria provided, multiple submitters, no conflicts (2 of 4 stars). 2 submissions from 2 submitters: Pathogenic (1); Likely pathogenic (1). Last evaluated 2024-11-23.

Conditions:
Peroxisome biogenesis disorder 6A (Zellweger). Also called: Peroxisome biogenesis disorder 6A. Identifiers: Orphanet 912, MedGen C3553947, MONDO:0013936, OMIM 614870.
Peroxisome biogenesis disorder. Identifiers: Orphanet 79189, MedGen C1832200, MONDO:0019234. Disease mechanism: loss of function.

Allele frequency attached by ClinVar (database versions not stated): gnomAD exomes below 0.00001; ExAC 0.00001.

Submissions (2):

Myriad Genetics, Inc.
Classification: Pathogenic for Peroxisome biogenesis disorder. Last evaluated: 2024-11-23. Review status: criteria provided, single submitter. Criteria: Myriad Autosomal Dominant, Autosomal Recessive and X-Linked Classification Criteria (2023). Collection method: clinical testing. Allele origin: unknown.
Comment: NM_153818.1(PEX10):c.592delA(I198Sfs*6) is expected to be pathogenic in the context of peroxisome biogenesis disorder type 6. This variant is predicted to lead to an abnormal or absent protein product due to the creation of a premature termination codon in PEX10, a gene where loss-of-function variants are known to be pathogenic. Please note: this variant was assessed in the context of healthy population screening.

Baylor Genetics
Classification: Likely pathogenic for Peroxisome biogenesis disorder 6A (Zellweger). Last evaluated: 2022-10-10. Review status: criteria provided, single submitter. Criteria: ACMG Guidelines, 2015. Collection method: clinical testing. Allele origin: unknown.

NM_002617.4(PEX10):c.592del (p.Ile198fs)

Gene: PEX10 (peroxisomal biogenesis factor 10; minus strand). Cytogenetic location: 1p36.32.
Variant type: Deletion.
Coding change: c.592del on transcript NM_002617.4 (MANE Select); coding-DNA position 592, one base deleted (A; older notation c.592delA).
Protein change: p.Ile198fs; shifts the reading frame from isoleucine 198.
Molecular consequence: frameshift variant. On other transcripts: non-coding transcript variant (1).
Genome position (GRCh38, 1-based): chr1:2,408,460, T deleted on the plus strand (A on the coding strand, the reverse complement: PEX10 is on the minus strand). VCF-style (leftmost placement, unchanged base first): chr1-2408459-AT-A. GRCh37 (hg19) VCF-style: chr1-2339898-AT-A.
Other names: c.592del, p.Ile198fs (NM_001374425.1, NM_153818.2); c.160del, p.Ile54fs (NM_001374426.1, NM_001374427.1); short protein forms I198fs, I54fs.
Identifiers: ClinVar variation 2677657 (VCV002677657.2), dbSNP rs773164888, ClinGen allele CA538129.
Genomic context (GRCh38, chr1:2,408,459, plus strand): 5'-TGGGGGTGACAAGGACGGCCTAAGCAGCTGTGCCCTCAGCGCCTGCTACTTACGTACGTG[AT>A]CCCCGTGAGCCTCTTGGCCAGGTGGTAGAAGACACCGTGGATGTAAAACCAGGCAACATG-3'